The following is an entry in ClinVar:

ClinVar aggregate classification (germline): Uncertain significance (1 of 4 stars; one submission).

Submission:

Ambry Genetics
Classification: Uncertain significance. Last evaluated: 2025-07-06. Review status: criteria provided, single submitter. Criteria: Ambry Variant Classification Scheme 2023. Collection method: clinical testing. Allele origin: germline.
Comment: The p.L27V variant (also known as c.79C>G), located in coding exon 1 of the GFI1 gene, results from a C to G substitution at nucleotide position 79. The leucine at codon 27 is replaced by valine, an amino acid with highly similar properties. This amino acid position is conserved. In addition, this alteration is predicted to be tolerated by in silico analysis. Based on the available evidence, the clinical significance of this variant remains unclear.

NM_005263.5(GFI1):c.79C>G (p.Leu27Val)

Gene: GFI1 (growth factor independent 1 transcriptional repressor; minus strand). Cytogenetic location: 1p22.1.
Variant type: single nucleotide variant.
Coding change: c.79C>G on transcript NM_005263.5 (MANE Select); coding-DNA position 79, C replaced by G.
Protein change: p.Leu27Val; replaces leucine 27 with valine.
Molecular consequence: missense variant.
Genome position (GRCh38, 1-based): chr1:92,483,409, G>C on the plus strand (C>G on the coding strand, the complement: GFI1 is on the minus strand). VCF-style: chr1-92483409-G-C. GRCh37 (hg19) VCF-style: chr1-92948966-G-C.
Other names: c.79C>G, p.Leu27Val (NM_001127215.3, NM_001127216.3); short protein forms L27V.
Identifiers: ClinVar variation 4263191 (VCV004263191.1).
Genomic context (GRCh38, chr1:92,483,409, plus strand): 5'-GCCTGGCCCGCGCGCGCCTCGCACCTGCTCGGCTAGGCGCCGGTACATTCTCTAAACGGA[G>C]GGAATAGTCTGGTCCTGGGGAGCGCGGCTGGTGGTAGCTGTGAGCCTTCTTGCTTTTGAC-3'
Protein context (NP_005254.2, residues 17-37): QPRSPGPDYS[Leu27Val]RLENVPAPSR